The following is an entry in ClinVar:

ClinVar aggregate classification (germline): Uncertain significance (1 of 4 stars; one submission).

gnomAD v4.1: 3 of 1,613,796 alleles (0.00019%); highest among the groups gnomAD compares: Non-Finnish European, 0.00025%; no homozygotes.

Submission:

GeneDx
Classification: Uncertain significance. Last evaluated: 2026-02-20. Review status: criteria provided, single submitter. Criteria: GeneDx Variant Classification Process June 2021. Collection method: clinical testing. Allele origin: germline.
Comment: Not observed at significant frequency in large population cohorts (gnomAD); In silico analysis supports that this missense variant has a deleterious effect on protein structure/function; Has not been previously published as pathogenic or benign to our knowledge

NM_002103.5(GYS1):c.1757G>T (p.Arg586Leu)

Gene: GYS1 (glycogen synthase 1; minus strand). Cytogenetic location: 19q13.33.
Variant type: single nucleotide variant.
Coding change: c.1757G>T on transcript NM_002103.5 (MANE Select); coding-DNA position 1757, G replaced by T.
Protein change: p.Arg586Leu; replaces arginine 586 with leucine.
Molecular consequence: missense variant. On other transcripts: non-coding transcript variant (1).
Genome position (GRCh38, 1-based): chr19:48,970,598, C>A on the plus strand (G>T on the coding strand, the complement: GYS1 is on the minus strand). VCF-style: chr19-48970598-C-A. GRCh37 (hg19) VCF-style: chr19-49473855-C-A.
Other names: c.1565G>T, p.Arg522Leu (NM_001161587.2); short protein forms R522L, R586L.
Identifiers: ClinVar variation 5009608 (VCV005009608.1).
Genomic context (GRCh38, chr19:48,970,598, plus strand): 5'-GGTCCTACCCGGCCTAGGTATTTCCAGTCCAGAAGGTCGGAGAGGCGCTCCGTGCGGTTC[C>A]GCTGGATGATACGCTGCCGCCGGCTCTGCTGACAGAAACTGTAGAGGAAGGAGGTGAGCT-3'
Protein context (NP_002094.2, residues 576-596): QQSRRQRIIQ[Arg586Leu]NRTERLSDLL